The following is an entry in ClinVar:

ClinVar aggregate classification (germline): Conflicting classifications of pathogenicity. Review status: criteria provided, conflicting classifications (1 of 4 stars). 3 submissions from 3 submitters: Uncertain significance (2); Likely benign (1). Last evaluated 2025-02-03.

Conditions:
Infantile myofibromatosis (IMF). Also called: Congenital generalized fibromatosis. Identifiers: Orphanet 2591, MedGen C0432284, MONDO:0016824.
Basal ganglia calcification, idiopathic, 4 (PFBC4). Also called: Familial Idiopathic Basal Ganglia Calcification 4; PRIMARY FAMILIAL BRAIN CALCIFICATION 4, AUTOSOMAL DOMINANT. Identifiers: Orphanet 1980, MedGen C3554321, MONDO:0014004, OMIM 615007.
Skeletal overgrowth-craniofacial dysmorphism-hyperelastic skin-white matter lesions syndrome. Also called: SKELETAL OVERGROWTH WITH FACIAL DYSMORPHISM, HYPERELASTIC SKIN, WHITE MATTER LESIONS, AND NEUROLOGIC DETERIORATION; Kosaki overgrowth syndrome. Identifiers: Orphanet 477831, MedGen C4225270, MONDO:0014704, OMIM 616592.
Acroosteolysis-keloid-like lesions-premature aging syndrome. Also called: Premature aging syndrome, Penttinen type; Prematurely aged appearance, delayed bone maturation, acro-osteolysis, and brachydactyly; Progeroid syndrome, Penttinen type. Identifiers: Orphanet 363665, MedGen C1866182, MONDO:0011150, OMIM 601812.
Inborn genetic diseases. Identifiers: MedGen C0950123, MeSH D030342.

Allele frequency attached by ClinVar (database versions not stated): gnomAD 0.00001; gnomAD exomes 0.00002 and 0.00006; TOPMed 0.00003; ExAC 0.00004.
gnomAD v4.1: 22 of 1,452,644 alleles (0.0015%); highest among the groups gnomAD compares: Admixed American, 0.033%; no homozygotes.

Submissions (3):

Labcorp Genetics (formerly Invitae), Labcorp
Classification: Uncertain significance for Basal ganglia calcification, idiopathic, 4; Skeletal overgrowth-craniofacial dysmorphism-hyperelastic skin-white matter lesions syndrome; Infantile myofibromatosis; Acroosteolysis-keloid-like lesions-premature aging syndrome. Last evaluated: 2025-02-03. Review status: criteria provided, single submitter. Criteria: Invitae Variant Classification Sherloc (09022015). Collection method: clinical testing. Allele origin: germline.
Comment: This sequence change replaces threonine, which is neutral and polar, with asparagine, which is neutral and polar, at codon 863 of the PDGFRB protein (p.Thr863Asn). This variant is present in population databases (rs750896639, gnomAD 0.04%), and has an allele count higher than expected for a pathogenic variant. This variant has not been reported in the literature in individuals affected with PDGFRB-related conditions. ClinVar contains an entry for this variant (Variation ID: 948189). An algorithm developed to predict the effect of missense changes on protein structure and function (PolyPhen-2) suggests that this variant is likely to be disruptive. In summary, the available evidence is currently insufficient to determine the role of this variant in disease. Therefore, it has been classified as a Variant of Uncertain Significance.

GeneDx
Classification: Uncertain significance. Last evaluated: 2022-12-28. Review status: criteria provided, single submitter. Criteria: GeneDx Variant Classification Process June 2021. Collection method: clinical testing. Allele origin: germline. Affected: yes.
Comment: In silico analysis supports that this missense variant has a deleterious effect on protein structure/function; Has not been previously published as pathogenic or benign to our knowledge

Ambry Genetics
Classification: Likely benign for Inborn genetic diseases. Last evaluated: 2022-08-16. Review status: criteria provided, single submitter. Criteria: Ambry Variant Classification Scheme 2023. Collection method: clinical testing. Allele origin: germline.

NM_002609.4(PDGFRB):c.2588C>A (p.Thr863Asn)

Gene: PDGFRB (platelet derived growth factor receptor beta; minus strand). Cytogenetic location: 5q32.
Variant type: single nucleotide variant.
Coding change: c.2588C>A on transcript NM_002609.4 (MANE Select); coding-DNA position 2588, C replaced by A.
Protein change: p.Thr863Asn; replaces threonine 863 with asparagine.
Molecular consequence: missense variant.
Genome position (GRCh38, 1-based): chr5:150,120,122, G>T on the plus strand (C>A on the coding strand, the complement: PDGFRB is on the minus strand). VCF-style: chr5-150120122-G-T. GRCh37 (hg19) VCF-style: chr5-149499685-G-T.
Other names: c.2396C>A, p.Thr799Asn (NM_001355016.2); c.2105C>A, p.Thr702Asn (NM_001355017.2); short protein forms T702N, T863N, T799N.
Identifiers: ClinVar variation 948189 (VCV000948189.12), dbSNP rs750896639, ClinGen allele CA3507573.
Genomic context (GRCh38, chr5:150,120,122, plus strand): 5'-AGGGTGGTGTAGAGGCTGTTGAAGATGCTCTCCGGAGCCATCCACTTTAAAGGCAAAAAG[G>T]TCTGTAGGGAGGTCAGGACAGGTGCTGAGTGCAAGGAAGGACCTCAGCCCCACTCTGCAC-3'
Protein context (NP_002600.1, residues 853-873): RDSNYISKGS[Thr863Asn]FLPLKWMAPE